The following is an entry in ClinVar:

NM_000138.5(FBN1):c.814delinsTGGACACAATGCCCTGCTGGACACAAACTT (p.Lys272fs)

Gene: FBN1 (fibrillin 1; minus strand). Cytogenetic location: 15q21.1.
Variant type: Indel.
Coding change: c.814delinsTGGACACAATGCCCTGCTGGACACAAACTT on transcript NM_000138.5 (MANE Select); coding-DNA position 814, A replaced by TGGACACAATGCCCTGCTGGACACAAACTT.
Protein change: p.Lys272fs; shifts the reading frame from lysine 272.
Molecular consequence: frameshift variant.
Genome position (GRCh38, 1-based): chr15:48,534,128, T replaced by AAGTTTGTGTCCAGCAGGGCATTGTGTCCA on the plus strand (A replaced by TGGACACAATGCCCTGCTGGACACAAACTT on the coding strand, the reverse complement: FBN1 is on the minus strand). VCF-style: chr15-48534128-T-AAGTTTGTGTCCAGCAGGGCATTGTGTCCA. GRCh37 (hg19) VCF-style: chr15-48826325-T-AAGTTTGTGTCCAGCAGGGCATTGTGTCCA.
Other names: short protein forms K272fs.
Identifiers: ClinVar variation 695028 (VCV000695028.2), dbSNP rs1597591643, ClinGen allele CA915946610.

ClinVar aggregate classification (germline): Pathogenic (1 of 4 stars; one submission).

Conditions:
Marfan syndrome (MFS). Also called: MARFAN SYNDROME, TYPE I; FBN1-Related Marfan Syndrome; Marfan syndrome type 1; Marfan's syndrome; Marfan syndrome, classic. Identifiers: Orphanet 284963, Orphanet 558, MedGen C0024796, MONDO:0007947, OMIM 154700.

Submission:

Center of Genomic medicine, Geneva, University Hospital of Geneva
Classification: Pathogenic for Marfan syndrome. Last evaluated: 2018-06-20. Review status: criteria provided, single submitter. Criteria: ACMG Guidelines, 2015. Collection method: clinical testing. Allele origin: germline. Affected: yes. Observed: 2 variant alleles.